The following is an entry in ClinVar:

ClinVar aggregate classification (germline): Pathogenic. Review status: reviewed by expert panel (3 of 4 stars). 3 submissions from 3 submitters: Pathogenic (1). 2 of the submissions do not count toward it. Last evaluated 2024-05-23.

Conditions:
Marfan Syndrome/Loeys-Dietz Syndrome/Familial Thoracic Aortic Aneurysms and Dissections. Identifiers: MedGen CN229799.
Marfan syndrome (MFS). Also called: MARFAN SYNDROME, TYPE I; FBN1-Related Marfan Syndrome; Marfan syndrome type 1; Marfan's syndrome; Marfan syndrome, classic. Identifiers: Orphanet 284963, Orphanet 558, MedGen C0024796, MONDO:0007947, OMIM 154700.
Familial thoracic aortic aneurysm and aortic dissection (TAAD). Also called: Thoracic aortic aneurysms and dissections. Identifiers: Orphanet 91387, MedGen C4707243, MONDO:0019625.

Submissions (3):

ClinGen FBN1 Variant Curation Expert Panel, ClinGen
Classification: Pathogenic for Marfan syndrome. Last evaluated: 2024-05-23. Review status: reviewed by expert panel. Criteria: Assertion Criteria VCEP FBN1 Version 1. Collection method: curation. Allele origin: germline. Inheritance: Autosomal dominant inheritance.
Comment: The NM_00138 c.1630G>A is a missense variant in FBN1 predicted to cause a substitution of a glycine by arginine at amino acid 544 (p.Gly544Arg). This variant impacts a critical glycine between Cys2 and Cys3 within a calcium binding EGF-like domain, important for interdomain packaging (PM1, PMID 31227806). This variant has been reported twice in ClinVar: once as pathogenic, and once as uncertain significance (Variation ID: 495558). This variant has been previously reported in at least 1 individual with clinical features of Marfan syndrome (MFS) (Invitae lab data). This variant is not present in gnomAD (PM2_sup; v2.1.1). A different nucleotide change resulting in the same amino acid substitution, missense variant at this position, c.1630G>C p.Gly544Arg, has previously been previously established as pathogenic, and was found to segregate with MFS with or without thoracic aortic aneurysm in eight affected individuals from one family (PS1; PMID 30087447, internal lab data). A different missense variant at this position, c.1630G>C p.Gly544Arg, has been found in an individual with a clinical diagnosis of MFS, and has been established as likely pathogenic (PM5; internal lab data). Computational prediction tools and conservation analysis suggest that this variant may impact the protein (REVEL: 0.918). The constraint z-score for missense variants affecting FBN1 is 5.06 (PP2). In summary, this variant meets criteria to be classified as pathogenic for Marfan syndrome based on the ACMG/AMP criteria applied, as specified by the ClinGen FBN1 VCEP: PS1, PM1, PM5, PM2_Sup, PP2, PP3.

Women's Health and Genetics/Laboratory Corporation of America, LabCorp
Classification: Pathogenic for Marfan Syndrome/Loeys-Dietz Syndrome/Familial Thoracic Aortic Aneurysms and Dissections. Last evaluated: 2025-06-27. Review status: criteria provided, single submitter. Criteria: LabCorp Variant Classification Summary - May 2015. Collection method: clinical testing. Allele origin: germline. Not counted in ClinVar's aggregate classification.
Comment: Variant summary: FBN1 c.1630G>A (p.Gly544Arg) results in a non-conservative amino acid change in the encoded protein sequence. Algorithms developed to predict the effect of missense changes on protein structure and function all suggest that this variant is likely to be disruptive. The variant was absent in 251274 control chromosomes. c.1630G>A has been observed in individual(s) affected with Marfan syndrome (Aubart_2018, internal data). These data indicate that the variant may be associated with disease. Different variant resulting in the same amino acid effect has been classified Pathogenic (Variation ID: 1458827). The following publications have been ascertained in the context of this evaluation (PMID: 19802897, 30087447). ClinVar contains an entry for this variant (Variation ID: 495558). Based on the evidence outlined above, the variant was classified as pathogenic.

Labcorp Genetics (formerly Invitae), Labcorp
Classification: Pathogenic for Marfan syndrome; Familial thoracic aortic aneurysm and aortic dissection. Last evaluated: 2024-07-03. Review status: criteria provided, single submitter. Criteria: Invitae Variant Classification Sherloc (09022015). Collection method: clinical testing. Allele origin: germline. Not counted in ClinVar's aggregate classification.
Comment: This sequence change replaces glycine, which is neutral and non-polar, with arginine, which is basic and polar, at codon 544 of the FBN1 protein (p.Gly544Arg). This variant is not present in population databases (gnomAD no frequency). This missense change has been observed in individual(s) with Marfan syndrome (PMID: 1929384, 30087447; Invitae). ClinVar contains an entry for this variant (Variation ID: 495558). Advanced modeling of protein sequence and biophysical properties (such as structural, functional, and spatial information, amino acid conservation, physicochemical variation, residue mobility, and thermodynamic stability) performed at Invitae indicates that this missense variant is expected to disrupt FBN1 protein function with a positive predictive value of 95%. For these reasons, this variant has been classified as Pathogenic.

Literature cited by the submitters: PubMed 19802897 (cited by Women's Health and Genetics/Laboratory Corporation of America, LabCorp); PubMed 30087447 (cited by Women's Health and Genetics/Laboratory Corporation of America, LabCorp and Labcorp Genetics (formerly Invitae), Labcorp); PubMed 1929384 (cited by Labcorp Genetics (formerly Invitae), Labcorp).

NM_000138.5(FBN1):c.1630G>A (p.Gly544Arg)

Gene: FBN1 (fibrillin 1; minus strand). Cytogenetic location: 15q21.1.
Variant type: single nucleotide variant.
Coding change: c.1630G>A on transcript NM_000138.5 (MANE Select); coding-DNA position 1630, G replaced by A.
Protein change: p.Gly544Arg; replaces glycine 544 with arginine.
Molecular consequence: missense variant.
Genome position (GRCh38, 1-based): chr15:48,510,128, C>T on the plus strand (G>A on the coding strand, the complement: FBN1 is on the minus strand). VCF-style: chr15-48510128-C-T. GRCh37 (hg19) VCF-style: chr15-48802325-C-T.
Other names: NM_000138.5(FBN1):c.1630G>A; p.Gly544Arg; short protein forms G544R.
Identifiers: ClinVar variation 495558 (VCV000495558.10), dbSNP rs1555400063, ClinGen allele CA392341228.